The following is an entry in ClinVar:

ClinVar aggregate classification (germline): Uncertain significance. Review status: criteria provided, multiple submitters, no conflicts (2 of 4 stars). 2 submissions from 2 submitters: Uncertain significance (2). Last evaluated 2023-12-06.

Conditions:
Inborn genetic diseases. Identifiers: MedGen C0950123, MeSH D030342.

Allele frequency attached by ClinVar (database versions not stated): ExAC 0.00006; gnomAD 0.00007; ESP Exome Variant Server 0.00008; TOPMed 0.00010; 1000 Genomes Project 0.00020; 1000 Genomes Project 30x 0.00031.

Submissions (2):

Ambry Genetics
Classification: Uncertain significance for Inborn genetic diseases. Last evaluated: 2023-12-06. Review status: criteria provided, single submitter. Criteria: Ambry Variant Classification Scheme 2023. Collection method: clinical testing. Allele origin: germline.

Labcorp Genetics (formerly Invitae), Labcorp
Classification: Uncertain significance. Last evaluated: 2022-05-20. Review status: criteria provided, single submitter. Criteria: Invitae Variant Classification Sherloc (09022015). Collection method: clinical testing. Allele origin: germline.
Comment: This sequence change replaces arginine, which is basic and polar, with histidine, which is basic and polar, at codon 57 of the CEP63 protein (p.Arg57His). This variant is present in population databases (rs370940310, gnomAD 0.02%). This variant has not been reported in the literature in individuals affected with CEP63-related conditions. Algorithms developed to predict the effect of missense changes on protein structure and function (SIFT, PolyPhen-2, Align-GVGD) all suggest that this variant is likely to be disruptive. In summary, the available evidence is currently insufficient to determine the role of this variant in disease. Therefore, it has been classified as a Variant of Uncertain Significance.

NM_001353108.3(CEP63):c.170G>A (p.Arg57His)

Gene: CEP63 (centrosomal protein 63; plus strand). Cytogenetic location: 3q22.2.
Variant type: single nucleotide variant.
Coding change: c.170G>A on transcript NM_001353108.3 (MANE Select); coding-DNA position 170, G replaced by A.
Protein change: p.Arg57His; replaces arginine 57 with histidine.
Molecular consequence: missense variant. On other transcripts: 5 prime UTR variant (1), non-coding transcript variant (4).
Genome position (GRCh38, 1-based): chr3:134,507,234, G>A. VCF-style: chr3-134507234-G-A. GRCh37 (hg19) VCF-style: chr3-134226076-G-A.
Other names: c.170G>A, p.Arg57His (NM_001042383.2, NM_001042384.2, NM_001042400.3 and 13 more transcripts); c.197G>A, p.Arg66His (NM_001353118.1); c.86G>A, p.Arg29His (NM_001353125.2); c.-212G>A (NM_001353126.2); c.170G>A (NM_025180.3); short protein forms R29H, R66H, R57H.
Identifiers: ClinVar variation 1924625 (VCV001924625.3), dbSNP rs370940310, ClinGen allele CA2628278.